The following is an entry in ClinVar:

ClinVar aggregate classification (germline): Likely benign. Review status: criteria provided, multiple submitters, no conflicts (2 of 4 stars). 2 submissions from 2 submitters: Likely benign (2). Last evaluated 2025-12-17.

Conditions:
SNRNP200-related disorder. Also called: SNRNP200-related condition.

Allele frequency attached by ClinVar (database versions not stated): gnomAD exomes below 0.00001 and 0.00001; TOPMed 0.00003.
gnomAD v4.1: 3 of 1,614,054 alleles (0.00019%); highest among the groups gnomAD compares: Admixed American, 0.0017%; no homozygotes.

Submissions (2):

Labcorp Genetics (formerly Invitae), Labcorp
Classification: Likely benign. Last evaluated: 2025-12-17. Review status: criteria provided, single submitter. Criteria: Invitae Variant Classification Sherloc (09022015). Collection method: clinical testing. Allele origin: germline.

PreventionGenetics, part of Exact Sciences
Classification: Likely benign for SNRNP200-related condition. Last evaluated: 2025-09-15. Review status: criteria provided, single submitter. Criteria: ACMG Guidelines, 2015. Collection method: clinical testing. Allele origin: germline.
Comment: This variant is classified as likely benign based on ACMG/AMP sequence variant interpretation guidelines (Richards et al. 2015 PMID: 25741868, with internal and published modifications).

NM_014014.5(SNRNP200):c.3195C>T (p.Ala1065=)

Gene: SNRNP200 (small nuclear ribonucleoprotein U5 subunit 200; minus strand). Cytogenetic location: 2q11.2.
Variant type: single nucleotide variant.
Coding change: c.3195C>T on transcript NM_014014.5 (MANE Select); coding-DNA position 3195, C replaced by T.
Protein change: p.Ala1065=; no amino-acid change (alanine 1065 retained).
Molecular consequence: synonymous variant.
Genome position (GRCh38, 1-based): chr2:96,288,726, G>A on the plus strand (C>T on the coding strand, the complement: SNRNP200 is on the minus strand). VCF-style: chr2-96288726-G-A. GRCh37 (hg19) VCF-style: chr2-96954464-G-A.
Other names: c.3195C>T (NM_014014.4).
Identifiers: ClinVar variation 1156994 (VCV001156994.10), dbSNP rs1424382516, ClinGen allele CA427497881.